The following is an entry in ClinVar:

NM_001163435.3(TBCK):c.2284C>T (p.Arg762Trp)

Gene: TBCK (TBC1 domain containing kinase; minus strand). Cytogenetic location: 4q24.
Variant type: single nucleotide variant.
Coding change: c.2284C>T on transcript NM_001163435.3 (MANE Select); coding-DNA position 2284, C replaced by T.
Protein change: p.Arg762Trp; replaces arginine 762 with tryptophan.
Molecular consequence: missense variant.
Genome position (GRCh38, 1-based): chr4:106,116,330, G>A on the plus strand (C>T on the coding strand, the complement: TBCK is on the minus strand). VCF-style: chr4-106116330-G-A. GRCh37 (hg19) VCF-style: chr4-107037487-G-A.
Other names: c.2284C>T, p.Arg762Trp (NM_001163436.4); c.2167C>T, p.Arg723Trp (NM_001163437.3); c.1768C>T, p.Arg590Trp (NM_001290768.2); c.2095C>T, p.Arg699Trp (NM_033115.5); short protein forms R699W, R590W, R723W, R762W.
Identifiers: ClinVar variation 1033751 (VCV001033751.5), dbSNP rs748323368, ClinGen allele CA3034741.

ClinVar aggregate classification (germline): Uncertain significance. Review status: criteria provided, multiple submitters, no conflicts (2 of 4 stars). 2 submissions from 2 submitters: Uncertain significance (2). Last evaluated 2025-11-24.

Conditions:
Hypotonia, infantile, with psychomotor retardation and characteristic facies 3 (IHPRF3). Also called: TBCK-Related Neurodevelopmental Disorder. Identifiers: Orphanet 488632, MedGen C5567480, MONDO:0014823, OMIM 616900.

Allele frequency attached by ClinVar (database versions not stated): TOPMed 0.00002; gnomAD 0.00003; gnomAD exomes 0.00003 and 0.00006; ExAC 0.00005.
gnomAD v4.1: 42 of 1,613,390 alleles (0.0026%); highest among the groups gnomAD compares: East Asian, 0.056%; no homozygotes.

Submissions (2):

Labcorp Genetics (formerly Invitae), Labcorp
Classification: Uncertain significance. Last evaluated: 2025-11-24. Review status: criteria provided, single submitter. Criteria: Invitae Variant Classification Sherloc (09022015). Collection method: clinical testing. Allele origin: germline.
Comment: This sequence change replaces arginine, which is basic and polar, with tryptophan, which is neutral and slightly polar, at codon 762 of the TBCK protein (p.Arg762Trp). This variant is present in population databases (rs748323368, gnomAD 0.05%). This variant has not been reported in the literature in individuals affected with TBCK-related conditions. ClinVar contains an entry for this variant (Variation ID: 1033751). Invitae Evidence Modeling of protein sequence and biophysical properties (such as structural, functional, and spatial information, amino acid conservation, physicochemical variation, residue mobility, and thermodynamic stability) indicates that this missense variant is expected to disrupt TBCK protein function with a positive predictive value of 80%. In summary, the available evidence is currently insufficient to determine the role of this variant in disease. Therefore, it has been classified as a Variant of Uncertain Significance.

Baylor Genetics
Classification: Uncertain significance for Hypotonia, infantile, with psychomotor retardation and characteristic facies 3. Last evaluated: 2018-09-28. Review status: criteria provided, single submitter. Criteria: ACMG Guidelines, 2015. Collection method: clinical testing. Allele origin: paternal. Affected: yes.
Comment: This variant was determined to be of uncertain significance according to ACMG Guidelines, 2015 [PMID:25741868].